The following is an entry in ClinVar:

NM_170682.4(P2RX2):c.943C>T (p.Arg315Cys)

Gene: P2RX2 (purinergic receptor P2X 2; plus strand). Cytogenetic location: 12q24.33.
Variant type: single nucleotide variant.
Coding change: c.943C>T on transcript NM_170682.4 (MANE Select); coding-DNA position 943, C replaced by T.
Protein change: p.Arg315Cys; replaces arginine 315 with cysteine.
Molecular consequence: missense variant.
Genome position (GRCh38, 1-based): chr12:132,621,292, C>T. VCF-style: chr12-132621292-C-T. GRCh37 (hg19) VCF-style: chr12-133197878-C-T.
Other names: c.943C>T (NM_170683.2); c.841C>T, p.Arg281Cys (NM_001282164.2); c.943C>T, p.Arg315Cys (NM_001282165.2, NM_170683.4, NM_174873.3); c.727C>T, p.Arg243Cys (NM_012226.5); c.871C>T, p.Arg291Cys (NM_016318.4); c.667C>T, p.Arg223Cys (NM_174872.3); short protein forms R281C, R291C, R243C, R223C, R315C.
Identifiers: ClinVar variation 666901 (VCV000666901.15), dbSNP rs761180947, ClinGen allele CA6891732.

ClinVar aggregate classification (germline): Uncertain significance. Review status: criteria provided, multiple submitters, no conflicts (2 of 4 stars). 6 submissions from 6 submitters: Uncertain significance (6). Last evaluated 2025-08-07.

Allele frequency attached by ClinVar (database versions not stated): gnomAD 0.00005 and 0.00007; ExAC 0.00006; gnomAD exomes 0.00007; TOPMed 0.00009.
gnomAD v4.1: 74 of 1,613,918 alleles (0.0046%); highest among the groups gnomAD compares: African/African-American, 0.0067%; no homozygotes.

Submissions (6):

Labcorp Genetics (formerly Invitae), Labcorp
Classification: Uncertain significance. Last evaluated: 2025-08-07. Review status: criteria provided, single submitter. Criteria: Invitae Variant Classification Sherloc (09022015). Collection method: clinical testing. Allele origin: germline.
Comment: This sequence change replaces arginine, which is basic and polar, with cysteine, which is neutral and slightly polar, at codon 315 of the P2RX2 protein (p.Arg315Cys). This variant is present in population databases (rs761180947, gnomAD 0.01%). This variant has not been reported in the literature in individuals affected with P2RX2-related conditions. ClinVar contains an entry for this variant (Variation ID: 666901). Invitae Evidence Modeling of protein sequence and biophysical properties (such as structural, functional, and spatial information, amino acid conservation, physicochemical variation, residue mobility, and thermodynamic stability) indicates that this missense variant is expected to disrupt P2RX2 protein function with a positive predictive value of 80%. In summary, the available evidence is currently insufficient to determine the role of this variant in disease. Therefore, it has been classified as a Variant of Uncertain Significance.

Ambry Genetics
Classification: Uncertain significance. Last evaluated: 2025-04-10. Review status: criteria provided, single submitter. Criteria: Ambry Variant Classification Scheme 2023. Collection method: clinical testing. Allele origin: germline.

Clinical Genetics Laboratory, Skane University Hospital Lund
Classification: Uncertain significance. Last evaluated: 2023-03-14. Review status: criteria provided, single submitter. Criteria: ACMG Guidelines, 2015. Collection method: clinical testing. Allele origin: germline. Affected: yes.

GeneDx
Classification: Uncertain significance. Last evaluated: 2021-12-14. Review status: criteria provided, single submitter. Criteria: GeneDx Variant Classification Process June 2021. Collection method: clinical testing. Allele origin: germline. Affected: yes.
Comment: In silico analysis supports that this missense variant has a deleterious effect on protein structure/function; Has not been previously published as pathogenic or benign to our knowledge

Blueprint Genetics
Classification: Uncertain significance. Last evaluated: 2020-07-07. Review status: criteria provided, single submitter. Criteria: ACMG Guidelines, 2015. Collection method: clinical testing. Allele origin: germline.

Laboratory for Molecular Medicine, Mass General Brigham Personalized Medicine
Classification: Uncertain significance. Last evaluated: 2019-03-05. Review status: criteria provided, single submitter. Criteria: LMM Criteria. Collection method: clinical testing. Allele origin: germline. Observed: 1 variant allele.
Comment: The p.Arg315Cys variant in P2RX2 has not been previously reported in individuals with hearing loss, but has been identified in 0.01% (16/129092) of European chromosomes by gnomAD. Computational prediction tools and conservation analysis suggest that this variant may impact the protein, though this information is not predictive enough to determine pathogenicity. In summary, the clinical significance of this variant is uncertain. ACMG/AMP Criteria applied: PP3.